The following is an entry in ClinVar:

ClinVar aggregate classification (germline): Uncertain significance. Review status: criteria provided, multiple submitters, no conflicts (2 of 4 stars). 2 submissions from 2 submitters: Uncertain significance (2). Last evaluated 2025-06-02.

Allele frequency attached by ClinVar (database versions not stated): gnomAD exomes below 0.00001; ExAC 0.00001; gnomAD 0.00002; TOPMed 0.00003; ESP Exome Variant Server 0.00008.

Submissions (2):

Women's Health and Genetics/Laboratory Corporation of America, LabCorp
Classification: Uncertain significance. Last evaluated: 2025-06-02. Review status: criteria provided, single submitter. Criteria: LabCorp Variant Classification Summary - May 2015. Collection method: clinical testing. Allele origin: germline.
Comment: Variant summary: WHRN c.809A>G (p.His270Arg) results in a non-conservative amino acid change in the encoded protein sequence. Algorithms developed to predict the effect of missense changes on protein structure and function are either unavailable or do not agree on the potential impact of this missense change. The variant allele was found at a frequency of 8e-06 in 250318 control chromosomes. The available data on variant occurrences in the general population are insufficient to allow any conclusion about variant significance. To our knowledge, no occurrence of c.809A>G in individuals affected with Usher Syndrome and no experimental evidence demonstrating its impact on protein function have been reported. ClinVar contains an entry for this variant (Variation ID: 1965708). Based on the evidence outlined above, the variant was classified as uncertain significance.

Labcorp Genetics (formerly Invitae), Labcorp
Classification: Uncertain significance. Last evaluated: 2022-08-16. Review status: criteria provided, single submitter. Criteria: Invitae Variant Classification Sherloc (09022015). Collection method: clinical testing. Allele origin: germline.
Comment: This sequence change replaces histidine, which is basic and polar, with arginine, which is basic and polar, at codon 270 of the WHRN protein (p.His270Arg). This variant is present in population databases (rs367656888, gnomAD 0.008%). This variant has not been reported in the literature in individuals affected with WHRN-related conditions. Algorithms developed to predict the effect of missense changes on protein structure and function output the following: SIFT: "Tolerated"; PolyPhen-2: "Benign"; Align-GVGD: "Class C0". The arginine amino acid residue is found in multiple mammalian species, which suggests that this missense change does not adversely affect protein function. In summary, the available evidence is currently insufficient to determine the role of this variant in disease. Therefore, it has been classified as a Variant of Uncertain Significance.

NM_015404.4(WHRN):c.809A>G (p.His270Arg)

Gene: WHRN (whirlin; minus strand). Cytogenetic location: 9q32.
Variant type: single nucleotide variant.
Coding change: c.809A>G on transcript NM_015404.4 (MANE Select); coding-DNA position 809, A replaced by G.
Protein change: p.His270Arg; replaces histidine 270 with arginine.
Molecular consequence: missense variant. On other transcripts: 5 prime UTR variant (1).
Genome position (GRCh38, 1-based): chr9:114,478,581, T>C on the plus strand (A>G on the coding strand, the complement: WHRN is on the minus strand). VCF-style: chr9-114478581-T-C. GRCh37 (hg19) VCF-style: chr9-117240861-T-C.
Other names: c.-341A>G (NM_001083885.3); c.809A>G, p.His270Arg (NM_001173425.2); short protein forms H270R.
Identifiers: ClinVar variation 1965708 (VCV001965708.6), dbSNP rs367656888, ClinGen allele CA5206194.
Genomic context (GRCh38, chr9:114,478,581, plus strand): 5'-AGAGGCTGGCCTCCTTTCCCCACCCCACTCACCTTTTTCTCATCCCCTCCTTGCAGGAGG[T>C]GCAGGGTGCTCCTCCGGTCACCCTCCTGCTGCCTCAGGGCACCACCGTGGGGCTGGGGCA-3'
Protein context (NP_056219.3, residues 260-280): QQEGDRRSTL[His270Arg]LLQGGDEKKV